The following is an entry in ClinVar:

ClinVar aggregate classification (germline): Likely pathogenic. Review status: criteria provided, multiple submitters, no conflicts (2 of 4 stars). 2 submissions from 2 submitters: Likely pathogenic (2). Last evaluated 2023-09-04.

Conditions:
Werner syndrome (WRN). Identifiers: Orphanet 902, MedGen C0043119, MONDO:0010196, OMIM 277700.

Submissions (2):

Labcorp Genetics (formerly Invitae), Labcorp
Classification: Likely pathogenic for Werner syndrome. Last evaluated: 2023-09-04. Review status: criteria provided, single submitter. Criteria: Invitae Variant Classification Sherloc (09022015). Collection method: clinical testing. Allele origin: germline.
Comment: This variant is not present in population databases (gnomAD no frequency). In summary, the currently available evidence indicates that the variant is pathogenic, but additional data are needed to prove that conclusively. Therefore, this variant has been classified as Likely Pathogenic. Algorithms developed to predict the effect of sequence changes on RNA splicing suggest that this variant may disrupt the consensus splice site. ClinVar contains an entry for this variant (Variation ID: 1469721). This variant has not been reported in the literature in individuals affected with WRN-related conditions. This sequence change affects a donor splice site in intron 8 of the WRN gene. It is expected to disrupt RNA splicing. Variants that disrupt the donor or acceptor splice site typically lead to a loss of protein function (PMID: 16199547), and loss-of-function variants in WRN are known to be pathogenic (PMID: 16673358).

Baylor Genetics
Classification: Likely pathogenic for Werner syndrome. Last evaluated: 2023-08-11. Review status: criteria provided, single submitter. Criteria: ACMG Guidelines, 2015. Collection method: clinical testing. Allele origin: unknown.

Literature cited by the submitters: PubMed 16199547 (cited by Labcorp Genetics (formerly Invitae), Labcorp); PubMed 16673358 (cited by Labcorp Genetics (formerly Invitae), Labcorp).

NM_000553.6(WRN):c.839+1G>A

Gene: WRN (WRN RecQ like helicase; plus strand). Cytogenetic location: 8p12.
Variant type: single nucleotide variant.
Coding change: c.839+1G>A on transcript NM_000553.6 (MANE Select); the canonical splice donor site of the intron after coding-DNA position 839, G replaced by A.
Molecular consequence: splice donor variant.
Genome position (GRCh38, 1-based): chr8:31,076,288, G>A. VCF-style: chr8-31076288-G-A. GRCh37 (hg19) VCF-style: chr8-30933804-G-A.
Identifiers: ClinVar variation 1469721 (VCV001469721.9), dbSNP rs2130095451, ClinGen allele CA370918827.